The following is an entry in ClinVar:

NM_006070.6(TFG):c.552G>A (p.Ala184=)

Gene: TFG (trafficking from ER to golgi regulator; plus strand). Cytogenetic location: 3q12.2.
Variant type: single nucleotide variant.
Coding change: c.552G>A on transcript NM_006070.6 (MANE Select); coding-DNA position 552, G replaced by A.
Protein change: p.Ala184=; no amino-acid change (alanine 184 retained).
Molecular consequence: synonymous variant.
Genome position (GRCh38, 1-based): chr3:100,732,644, G>A. VCF-style: chr3-100732644-G-A. GRCh37 (hg19) VCF-style: chr3-100451488-G-A.
Other names: p.Ala184=; c.552G>A, p.Ala184= (NM_001007565.2, NM_001195478.2, NM_001195479.2).
Identifiers: ClinVar variation 378720 (VCV000378720.25), dbSNP rs35648279, ClinGen allele CA2517107.

ClinVar aggregate classification (germline): Benign. Review status: criteria provided, multiple submitters, no conflicts (2 of 4 stars). 5 submissions from 5 submitters: Benign (5). Last evaluated 2026-02-04.

Conditions:
Hereditary spastic paraplegia 57. Also called: Spastic paraplegia 57, autosomal recessive. Identifiers: Orphanet 431329, MedGen C3714897, MONDO:0014295, OMIM 615658.
Hereditary motor and sensory neuropathy, Okinawa type (HMSNO). Also called: HEREDITARY MOTOR AND SENSORY NEUROPATHY, PROXIMAL TYPE. Identifiers: Orphanet 90117, MedGen C1858338, MONDO:0011468, OMIM 604484.

Allele frequency attached by ClinVar (database versions not stated): gnomAD exomes 0.00721 and 0.01123; ExAC 0.01294; 1000 Genomes Project 0.03215; 1000 Genomes Project 30x 0.03373; TOPMed 0.03524; ESP Exome Variant Server 0.03529.
gnomAD v4.1: 15,238 of 1,611,108 alleles (0.95%); highest among the groups gnomAD compares: African/African-American, 9.3%; 389 homozygotes.

Submissions (5):

Labcorp Genetics (formerly Invitae), Labcorp
Classification: Benign for Hereditary motor and sensory neuropathy, Okinawa type; Hereditary spastic paraplegia 57. Last evaluated: 2026-02-04. Review status: criteria provided, single submitter. Criteria: Invitae Variant Classification Sherloc (09022015). Collection method: clinical testing. Allele origin: germline.

ARUP Laboratories, Molecular Genetics and Genomics, ARUP Laboratories
Classification: Benign. Last evaluated: 2025-01-24. Review status: criteria provided, single submitter. Criteria: ARUP Molecular Germline Variant Investigation Process 2024. Collection method: clinical testing. Allele origin: germline.

Mayo Clinic Laboratories, Mayo Clinic
Classification: Benign. Last evaluated: 2016-04-14. Review status: criteria provided, single submitter. Criteria: ACMG Guidelines, 2015. Collection method: clinical testing. Allele origin: germline. Observed: 50 variant alleles.

GeneDx
Classification: Benign. Last evaluated: 2015-04-17. Review status: criteria provided, single submitter. Criteria: GeneDx Variant Classification (06012015). Collection method: clinical testing. Allele origin: germline. Affected: yes.
Comment: This variant is considered likely benign or benign based on one or more of the following criteria: it is a conservative change, it occurs at a poorly conserved position in the protein, it is predicted to be benign by multiple in silico algorithms, and/or has population frequency not consistent with disease.

Breakthrough Genomics
Classification: Benign. Review status: criteria provided, single submitter. Criteria: ACMG Guidelines, 2015. Collection method: not provided. Allele origin: germline. Inheritance: Autosomal recessive inheritance. Affected: yes.